The following is an entry in ClinVar:

ClinVar aggregate classification (germline): Uncertain significance. Review status: criteria provided, multiple submitters, no conflicts (2 of 4 stars). 2 submissions from 2 submitters: Uncertain significance (2). Last evaluated 2025-10-22.

Conditions:
CSF2RB-related disorder. Also called: CSF2RB-related condition.

Submissions (2):

PreventionGenetics, part of Exact Sciences
Classification: Uncertain significance for CSF2RB-related condition. Last evaluated: 2025-10-22. Review status: criteria provided, single submitter. Criteria: ACMG Guidelines, 2015. Collection method: clinical testing. Allele origin: germline.
Comment: The CSF2RB c.2520_2522delTTC variant is predicted to result in an in-frame deletion (p.Ser841del). To our knowledge, this variant has not been reported in the literature. This variant is reported in 0.020% of alleles in individuals of South Asian descent in gnomAD. At this time, the clinical significance of this variant is uncertain due to the absence of conclusive functional and genetic evidence.

Labcorp Genetics (formerly Invitae), Labcorp
Classification: Uncertain significance. Last evaluated: 2024-10-29. Review status: criteria provided, single submitter. Criteria: Invitae Variant Classification Sherloc (09022015). Collection method: clinical testing. Allele origin: germline.
Comment: This variant, c.2520_2522del, results in the deletion of 1 amino acid(s) of the CSF2RB protein (p.Ser841del), but otherwise preserves the integrity of the reading frame. This variant is present in population databases (rs768163350, gnomAD 0.02%). This variant has not been reported in the literature in individuals affected with CSF2RB-related conditions. Experimental studies and prediction algorithms are not available or were not evaluated, and the functional significance of this variant is currently unknown. In summary, the available evidence is currently insufficient to determine the role of this variant in disease. Therefore, it has been classified as a Variant of Uncertain Significance.

NM_000395.3(CSF2RB):c.2517TTC[1] (p.Ser841del)

Gene: CSF2RB (colony stimulating factor 2 receptor subunit beta; plus strand). Cytogenetic location: 22q12.3.
Variant type: Microsatellite.
Coding change: c.2517TTC[1] on transcript NM_000395.3 (MANE Select); one copy of the 3-base unit TTC starting at c.2517; the reference has two copies in a row; one copy, 3 bases deleted.
Protein change: p.Ser841del; deletes serine 841.
Molecular consequence: inframe deletion. On other transcripts: inframe indel (1).
Genome position (GRCh38, 1-based): chr22:36,938,328-36,938,330, TTC deleted; deleting any 3 consecutive bases within chr22:36,938,324-36,938,330 gives the same sequence; the position shown is the placement nearest the transcript's 3' end. VCF-style (leftmost placement, unchanged base first): chr22-36938323-CCTT-C. GRCh37 (hg19) VCF-style: chr22-37334365-CCTT-C.
Other names: c.2535_2537TTC[1], p.Ser847del (NM_001410827.1); c.2520_2522delTTC (NM_000395.2); short protein forms S841del, S847del.
Identifiers: ClinVar variation 2023480 (VCV002023480.5), dbSNP rs768163350, ClinGen allele CA10214145.
Genomic context (GRCh38, chr22:36,938,323, plus strand): 5'-GTGGGCGACTATTGCTTCCTCCCCGGCCTGGGGCCCGGCCCTCTCTCGCTCCGGAGTAAA[CCTT>C]CTTCCCCGGGACCCGGTCCTGAGATCAAGAACCTAGACCAGGCTTTTCAAGTCAAGAAGC-3'